The following is an entry in ClinVar:

NM_020937.4(FANCM):c.2722G>A (p.Ala908Thr)

Gene: FANCM (FA complementation group M; plus strand). Cytogenetic location: 14q21.2.
Variant type: single nucleotide variant.
Coding change: c.2722G>A on transcript NM_020937.4 (MANE Select); coding-DNA position 2722, G replaced by A.
Protein change: p.Ala908Thr; replaces alanine 908 with threonine.
Molecular consequence: missense variant.
Genome position (GRCh38, 1-based): chr14:45,175,476, G>A. VCF-style: chr14-45175476-G-A. GRCh37 (hg19) VCF-style: chr14-45644679-G-A.
Other names: c.2644G>A, p.Ala882Thr (NM_001308133.2); short protein forms A882T, A908T.
Identifiers: ClinVar variation 3603255 (VCV003603255.1).

ClinVar aggregate classification (germline): Uncertain significance (1 of 4 stars; one submission).

gnomAD v4.1: 4 of 1,608,834 alleles (0.00025%); highest among the groups gnomAD compares: African/African-American, 0.004%; no homozygotes.

Submission:

GeneDx
Classification: Uncertain significance. Last evaluated: 2024-08-06. Review status: criteria provided, single submitter. Criteria: GeneDx Variant Classification Process June 2021. Collection method: clinical testing. Allele origin: germline. Affected: yes.
Comment: Not observed at significant frequency in large population cohorts (gnomAD); In silico analysis indicates that this missense variant does not alter protein structure/function; Has not been previously published as pathogenic or benign to our knowledge